The following is an entry in ClinVar:

NM_000540.3(RYR1):c.163C>T (p.Gln55Ter)

Gene: RYR1 (ryanodine receptor 1; plus strand). Cytogenetic location: 19q13.2.
Variant type: single nucleotide variant.
Coding change: c.163C>T on transcript NM_000540.3 (MANE Select); coding-DNA position 163, C replaced by T.
Protein change: p.Gln55Ter; replaces glutamine 55 with a stop codon.
Molecular consequence: nonsense.
Genome position (GRCh38, 1-based): chr19:38,440,862, C>T. VCF-style: chr19-38440862-C-T. GRCh37 (hg19) VCF-style: chr19-38931502-C-T.
Other names: c.163C>T, p.Gln55Ter (NM_001042723.2); short protein forms Q55*.
Identifiers: ClinVar variation 665235 (VCV000665235.6), dbSNP rs779061307, ClinGen allele CA062204.
Genomic context (GRCh38, chr19:38,440,862, plus strand): 5'-TGCCTGGCCGCCGAGGGCTTCGGCAACCGCCTGTGCTTCCTGGAGCCCACTAGCAACGCG[C>T]AGGTCTGTGCAGGAGGGAGAGGGGCCTGGGGACAGGGGCGTCTGAAGGGGCAGAGAATCT-3'

ClinVar aggregate classification (germline): Pathogenic (1 of 4 stars; one submission).

Conditions:
RYR1-related disorder. Also called: RYR1-related condition; RYR1-related disorders. Identifiers: MedGen CN239331.

Allele frequency attached by ClinVar (database versions not stated): gnomAD exomes below 0.00001; ExAC 0.00001; gnomAD 0.00001.

Submission:

Labcorp Genetics (formerly Invitae), Labcorp
Classification: Pathogenic for RYR1-related disorder. Last evaluated: 2023-07-27. Review status: criteria provided, single submitter. Criteria: Invitae Variant Classification Sherloc (09022015). Collection method: clinical testing. Allele origin: germline.
Comment: For these reasons, this variant has been classified as Pathogenic. Algorithms developed to predict the effect of sequence changes on RNA splicing suggest that this variant may create or strengthen a splice site. ClinVar contains an entry for this variant (Variation ID: 665235). This variant has not been reported in the literature in individuals affected with RYR1-related conditions. The frequency data for this variant in the population databases is considered unreliable, as metrics indicate poor data quality at this position in the gnomAD database. This sequence change creates a premature translational stop signal (p.Gln55*) in the RYR1 gene. It is expected to result in an absent or disrupted protein product. Loss-of-function variants in RYR1 are known to be pathogenic (PMID: 23919265, 25960145, 28818389, 30611313).

Literature cited by the submitters: PubMed 23919265; PubMed 25960145; PubMed 28818389; PubMed 30611313.